The following is an entry in ClinVar:

NM_005006.7(NDUFS1):c.1235C>T (p.Pro412Leu)

Gene: NDUFS1 (NADH:ubiquinone oxidoreductase core subunit S1; minus strand). Cytogenetic location: 2q33.3.
Variant type: single nucleotide variant.
Coding change: c.1235C>T on transcript NM_005006.7 (MANE Select); coding-DNA position 1235, C replaced by T.
Protein change: p.Pro412Leu; replaces proline 412 with leucine.
Molecular consequence: missense variant.
Genome position (GRCh38, 1-based): chr2:206,141,968, G>A on the plus strand (C>T on the coding strand, the complement: NDUFS1 is on the minus strand). VCF-style: chr2-206141968-G-A. GRCh37 (hg19) VCF-style: chr2-207006692-G-A.
Other names: p.Pro412Leu; c.1127C>T, p.Pro376Leu (NM_001199981.2); c.902C>T, p.Pro301Leu (NM_001199982.2); c.1064C>T, p.Pro355Leu (NM_001199983.2); c.1277C>T, p.Pro426Leu (NM_001199984.2); short protein forms P376L, P301L, P412L, P426L, P355L.
Identifiers: ClinVar variation 801857 (VCV000801857.2), dbSNP rs751150787, ClinGen allele CA2070520.

ClinVar aggregate classification (germline): Uncertain significance. Review status: criteria provided, multiple submitters, no conflicts (2 of 4 stars). 2 submissions from 2 submitters: Uncertain significance (2). Last evaluated 2023-02-16.

Conditions:
Leigh syndrome (NULS). Also called: Leigh Syndrome (mtDNA deletion); Leigh Disease; Subacute necrotizing encephalopathy; LEIGH SYNDROME, NUCLEAR; Necrotizing encephalopathy infantile subacute of Leigh; Leigh's necrotizing encephalopathy. Identifiers: Orphanet 506, MedGen C2931891, MONDO:0009723, OMIM 256000.

Allele frequency attached by ClinVar (database versions not stated): ExAC 0.00001; TOPMed 0.00001; gnomAD 0.00003.
gnomAD v4.1: 14 of 1,610,636 alleles (0.00087%); highest among the groups gnomAD compares: Non-Finnish European, 0.0012%; no homozygotes.

Submissions (2):

Mayo Clinic Laboratories, Mayo Clinic
Classification: Uncertain significance. Last evaluated: 2023-02-16. Review status: criteria provided, single submitter. Criteria: ACMG Guidelines, 2015. Collection method: clinical testing. Allele origin: germline. Observed: 2 variant alleles.
Comment: PP3, PM2

Mendelics
Classification: Uncertain significance for Leigh syndrome. Last evaluated: 2019-05-28. Review status: criteria provided, single submitter. Criteria: Mendelics Assertion Criteria 2017. Collection method: clinical testing. Allele origin: unknown.